The following is an entry in ClinVar:

NM_032444.4(SLX4):c.3648G>T (p.Gln1216His)

Gene: SLX4 (SLX4 structure-specific endonuclease subunit; minus strand). Cytogenetic location: 16p13.3.
Variant type: single nucleotide variant.
Coding change: c.3648G>T on transcript NM_032444.4 (MANE Select); coding-DNA position 3648, G replaced by T.
Protein change: p.Gln1216His; replaces glutamine 1216 with histidine.
Molecular consequence: missense variant.
Genome position (GRCh38, 1-based): chr16:3,589,990, C>A on the plus strand (G>T on the coding strand, the complement: SLX4 is on the minus strand). VCF-style: chr16-3589990-C-A. GRCh37 (hg19) VCF-style: chr16-3639991-C-A.
Other names: c.3648G>T (LRG_503t1); short protein forms Q1216H.
Identifiers: ClinVar variation 241680 (VCV000241680.16), dbSNP rs139544666, ClinGen allele CA7865880.

ClinVar aggregate classification (germline): Uncertain significance. Review status: criteria provided, multiple submitters, no conflicts (2 of 4 stars). 3 submissions from 3 submitters: Uncertain significance (3). Last evaluated 2025-11-24.

Conditions:
Fanconi anemia (FA). Also called: Fanconi's anemia. Identifiers: Orphanet 84, MedGen C0015625, MeSH D005199, MONDO:0019391.
Fanconi anemia complementation group P. Also called: SLX4-Related Fanconi Anemia. Identifiers: Orphanet 84, MedGen C3469542, MONDO:0013499, OMIM 613951.

Allele frequency attached by ClinVar (database versions not stated): TOPMed 0.00003; gnomAD 0.00004; gnomAD exomes 0.00006; ExAC 0.00010; ESP Exome Variant Server 0.00023.
gnomAD v4.1: 97 of 1,613,978 alleles (0.006%); highest among the groups gnomAD compares: Non-Finnish European, 0.0081%; no homozygotes.

Submissions (3):

Labcorp Genetics (formerly Invitae), Labcorp
Classification: Uncertain significance for Fanconi anemia. Last evaluated: 2025-11-24. Review status: criteria provided, single submitter. Criteria: Invitae Variant Classification Sherloc (09022015). Collection method: clinical testing. Allele origin: germline.
Comment: This sequence change replaces glutamine, which is neutral and polar, with histidine, which is basic and polar, at codon 1216 of the SLX4 protein (p.Gln1216His). This variant is present in population databases (rs139544666, gnomAD 0.01%). This variant has not been reported in the literature in individuals affected with SLX4-related conditions. ClinVar contains an entry for this variant (Variation ID: 241680). An algorithm developed to predict the effect of missense changes on protein structure and function (PolyPhen-2) suggests that this variant is likely to be tolerated. In summary, the available evidence is currently insufficient to determine the role of this variant in disease. Therefore, it has been classified as a Variant of Uncertain Significance.

Illumina Laboratory Services, Illumina
Classification: Uncertain significance for Fanconi anemia complementation group P. Last evaluated: 2018-01-12. Review status: criteria provided, single submitter. Criteria: ICSL Variant Classification Criteria 13 December 2019. Collection method: clinical testing. Allele origin: germline.

Genetic Services Laboratory, University of Chicago
Classification: Uncertain significance. Last evaluated: 2017-02-17. Review status: criteria provided, single submitter. Criteria: ACMG Guidelines, 2015. Collection method: clinical testing. Allele origin: germline. Affected: no.